The following is an entry in ClinVar:

NM_002878.4(RAD51D):c.604G>C (p.Val202Leu)

Genes: RAD51D (RAD51 paralog D; minus strand), RAD51L3-RFFL (RAD51L3-RFFL readthrough; minus strand). Cytogenetic location: 17q12.
Variant type: single nucleotide variant.
Coding change: c.604G>C on transcript NM_002878.4 (MANE Select); coding-DNA position 604, G replaced by C.
Protein change: p.Val202Leu; replaces valine 202 with leucine.
Molecular consequence: missense variant. On other transcripts: non-coding transcript variant (3).
Genome position (GRCh38, 1-based): chr17:35,103,517, C>G on the plus strand (G>C on the coding strand, the complement: RAD51D is on the minus strand). VCF-style: chr17-35103517-C-G. GRCh37 (hg19) VCF-style: chr17-33430536-C-G.
Other names: c.664G>C, p.Val222Leu (NM_001142571.2); c.268G>C, p.Val90Leu (NM_133629.3); short protein forms V90L, V222L, V202L.
Identifiers: ClinVar variation 3942382 (VCV003942382.1).
Genomic context (GRCh38, chr17:35,103,517, plus strand): 5'-CCCTCTGCTGACCTCCCAGAAGTGGGGAAACCACCGCAGTGACCGAGTCCACAACCACCA[C>G]CTTCACAGTTCCTGAAGAACCAGTCACCTGAAGGAATGTGGGGGAAGCACTCATGAACCT-3'
Protein context (NP_002869.3, residues 192-212): QVTGSSGTVK[Val202Leu]VVVDSVTAVV

ClinVar aggregate classification (germline): Uncertain significance (1 of 4 stars; one submission).

Conditions:
Hereditary cancer-predisposing syndrome. Also called: Tumor predisposition; Hereditary neoplastic syndrome; Hereditary Cancer Syndrome; Neoplastic Syndromes, Hereditary. Identifiers: Orphanet 140162, MedGen C0027672, MeSH D009386, MONDO:0015356.

Submission:

Ambry Genetics
Classification: Uncertain significance for Hereditary cancer-predisposing syndrome. Last evaluated: 2025-04-03. Review status: criteria provided, single submitter. Criteria: Ambry Variant Classification Scheme 2023. Collection method: clinical testing. Allele origin: germline.
Comment: The p.V202L variant (also known as c.604G>C), located in coding exon 7 of the RAD51D gene, results from a G to C substitution at nucleotide position 604. The valine at codon 202 is replaced by leucine, an amino acid with highly similar properties. This amino acid position is conserved. In addition, this alteration is predicted to be tolerated by in silico analysis. Based on the available evidence, the clinical significance of this variant remains unclear.